The following is an entry in ClinVar:

ClinVar aggregate classification (germline): Pathogenic/Likely pathogenic. Review status: criteria provided, multiple submitters, no conflicts (2 of 4 stars). 3 submissions from 3 submitters: Pathogenic (1); Likely pathogenic (2). Last evaluated 2026-04-01.

Conditions:
Charcot-Marie-Tooth disease axonal type 2C (HMSN2C). Also called: Charcot-Marie-Tooth Disease Type 2, TRPV4-Related (CMT2C); CHARCOT-MARIE-TOOTH DISEASE, AXONAL, AUTOSOMAL DOMINANT, TYPE 2C; Charcot-Marie-Tooth Neuropathy Type 2C. Identifiers: Orphanet 99937, MedGen C1853710, MONDO:0011633, OMIM 606071.

Submissions (3):

CeGaT Center for Human Genetics Tuebingen
Classification: Likely pathogenic. Last evaluated: 2026-04-01. Review status: criteria provided, single submitter. Criteria: CeGaT Center For Human Genetics Tuebingen Variant Classification Criteria Version 2. Collection method: clinical testing. Allele origin: germline. Affected: yes. Observed: 1 variant allele.
Comment: TRPV4: PM2, PM5, PM1:Supporting, PS4:Supporting

Labcorp Genetics (formerly Invitae), Labcorp
Classification: Pathogenic for Charcot-Marie-Tooth disease axonal type 2C. Last evaluated: 2024-10-21. Review status: criteria provided, single submitter. Criteria: Invitae Variant Classification Sherloc (09022015). Collection method: clinical testing. Allele origin: germline.
Comment: This sequence change replaces arginine, which is basic and polar, with glutamine, which is neutral and polar, at codon 315 of the TRPV4 protein (p.Arg315Gln). This variant is not present in population databases (gnomAD no frequency). This missense change has been observed in individual(s) with Charcot-Marie-Tooth disease (internal data). In at least one individual the variant was observed to be de novo. ClinVar contains an entry for this variant (Variation ID: 422303). Invitae Evidence Modeling of protein sequence and biophysical properties (such as structural, functional, and spatial information, amino acid conservation, physicochemical variation, residue mobility, and thermodynamic stability) has been performed for this missense variant. However, the output from this modeling did not meet the statistical confidence thresholds required to predict the impact of this variant on TRPV4 protein function. This variant disrupts the p.Arg315 amino acid residue in TRPV4. Other variant(s) that disrupt this residue have been determined to be pathogenic (PMID: 20037588, 20460441, 21115951, 21454511, 22065612, 22702953). This suggests that this residue is clinically significant, and that variants that disrupt this residue are likely to be disease-causing. For these reasons, this variant has been classified as Pathogenic.

GeneDx
Classification: Likely pathogenic. Last evaluated: 2016-09-23. Review status: criteria provided, single submitter. Criteria: GeneDx Variant Classification (06012015). Collection method: clinical testing. Allele origin: germline. Affected: yes.
Comment: A novel R315Q variant that is likely pathogenic has been identified in the TRPV4 gene. The R315Q variant has not been published as a pathogenic variant, nor has it been reported as a benign variant to our knowledge. It was not observed in approximately 6,500 individuals of European and African American ancestry in the NHLBI Exome Sequencing Project, indicating it is not a common benign variant in these populations. The TRPV4 variant is a semi-conservative amino acid substitution, which may impact secondary protein structure as these residues differ in some properties. This substitution occurs at a position that is conserved across species. Missense variants in the same residue (R315W) and a nearby residue (R316C, R316H) have been reported in the Human Gene Mutation Database in association with TRPV4-related disorder (Stenson et al., 2014), supporting the functional importance of this region of the protein. However, in silico analysis is inconsistent in its predictions as to whether or not the variant is damaging to the protein structure/function. Therefore, this variant is likely pathogenic; however, the possibility that it is benign cannot be excluded.

Literature cited by the submitters: PubMed 20037588 (cited by Labcorp Genetics (formerly Invitae), Labcorp); PubMed 20460441 (cited by Labcorp Genetics (formerly Invitae), Labcorp); PubMed 21115951 (cited by Labcorp Genetics (formerly Invitae), Labcorp); PubMed 21454511 (cited by Labcorp Genetics (formerly Invitae), Labcorp); PubMed 22065612 (cited by Labcorp Genetics (formerly Invitae), Labcorp); PubMed 22702953 (cited by Labcorp Genetics (formerly Invitae), Labcorp).

NM_021625.5(TRPV4):c.944G>A (p.Arg315Gln)

Gene: TRPV4 (transient receptor potential cation channel subfamily V member 4; minus strand). Cytogenetic location: 12q24.11.
Variant type: single nucleotide variant.
Coding change: c.944G>A on transcript NM_021625.5 (MANE Select); coding-DNA position 944, G replaced by A.
Protein change: p.Arg315Gln; replaces arginine 315 with glutamine.
Molecular consequence: missense variant.
Genome position (GRCh38, 1-based): chr12:109,798,822, C>T on the plus strand (G>A on the coding strand, the complement: TRPV4 is on the minus strand). VCF-style: chr12-109798822-C-T. GRCh37 (hg19) VCF-style: chr12-110236627-C-T.
Other names: c.803G>A, p.Arg268Gln (NM_001177428.2, NM_001177433.2); c.842G>A, p.Arg281Gln (NM_001177431.2); c.944G>A, p.Arg315Gln (NM_147204.3); short protein forms R315Q, R268Q, R281Q.
Identifiers: ClinVar variation 422303 (VCV000422303.12), dbSNP rs1064795696, ClinGen allele CA16619427.
Genomic context (GRCh38, chr12:109,798,822, plus strand): 5'-GTGTTGTCAGCAATGGCCACCAGCGCATGCAGCACTGTGTTGCCTCGCGAGTCCTGGCGC[C>T]GCATGTCCGCCTTCTTGTGGGGGTTCTCCGTCAGGTAGTTGACAATGTGGGGCTGGTTGG-3'
Protein context (NP_067638.3, residues 305-325): TENPHKKADM[Arg315Gln]RQDSRGNTVL